The following is an entry in ClinVar:

NM_001040108.2(MLH3):c.3461C>G (p.Pro1154Arg)

Gene: MLH3 (mutL homolog 3; minus strand). Cytogenetic location: 14q24.3.
Variant type: single nucleotide variant.
Coding change: c.3461C>G on transcript NM_001040108.2 (MANE Select); coding-DNA position 3461, C replaced by G.
Protein change: p.Pro1154Arg; replaces proline 1154 with arginine.
Molecular consequence: missense variant.
Genome position (GRCh38, 1-based): chr14:75,041,619, G>C on the plus strand (C>G on the coding strand, the complement: MLH3 is on the minus strand). VCF-style: chr14-75041619-G-C. GRCh37 (hg19) VCF-style: chr14-75508322-G-C.
Other names: c.3461C>G, p.Pro1154Arg (NM_014381.3); short protein forms P1154R.
Identifiers: ClinVar variation 4841839 (VCV004841839.1).

ClinVar aggregate classification (germline): Uncertain significance (1 of 4 stars; one submission).

Submission:

Ambry Genetics
Classification: Uncertain significance. Last evaluated: 2026-01-04. Review status: criteria provided, single submitter. Criteria: Ambry Variant Classification Scheme 2023. Collection method: clinical testing. Allele origin: germline.
Comment: The p.P1154R variant (also known as c.3461C>G), located in coding exon 3 of the MLH3 gene, results from a C to G substitution at nucleotide position 3461. The proline at codon 1154 is replaced by arginine, an amino acid with dissimilar properties. This amino acid position is conserved. In addition, this alteration is predicted to be deleterious by in silico analysis. Based on the available evidence, the clinical significance of this variant remains unclear.